The following is an entry in ClinVar:

ClinVar aggregate classification (germline): Uncertain significance (1 of 4 stars; one submission).

Conditions:
Inborn genetic diseases. Identifiers: MedGen C0950123, MeSH D030342.

Submission:

Ambry Genetics
Classification: Uncertain significance for Inborn genetic diseases. Last evaluated: 2025-05-03. Review status: criteria provided, single submitter. Criteria: Ambry Variant Classification Scheme 2023. Collection method: clinical testing. Allele origin: germline.
Comment: The p.P762A variant (also known as c.2284C>G), located in coding exon 8 of the MECOM gene, results from a C to G substitution at nucleotide position 2284. The proline at codon 762 is replaced by alanine, an amino acid with highly similar properties. This amino acid position is conserved. In addition, this alteration is predicted to be tolerated by in silico analysis. Based on the available evidence, the clinical significance of this variant remains unclear.

NM_004991.4(MECOM):c.2284C>G (p.Pro762Ala)

Gene: MECOM (MDS1 and EVI1 complex locus; minus strand). Cytogenetic location: 3q26.2.
Variant type: single nucleotide variant.
Coding change: c.2284C>G on transcript NM_004991.4 (MANE Select); coding-DNA position 2284, C replaced by G.
Protein change: p.Pro762Ala; replaces proline 762 with alanine.
Molecular consequence: missense variant.
Genome position (GRCh38, 1-based): chr3:169,115,588, G>C on the plus strand (C>G on the coding strand, the complement: MECOM is on the minus strand). VCF-style: chr3-169115588-G-C. GRCh37 (hg19) VCF-style: chr3-168833376-G-C.
Other names: c.1915C>G, p.Pro639Ala (NM_001105077.4); c.1720C>G, p.Pro574Ala (NM_001105078.4, NM_001164000.2, NM_001205194.2 and 4 more transcripts); c.1723C>G, p.Pro575Ala (NM_001163999.2, NM_001366467.2, NM_001366468.2 and 1 more transcripts); c.2284C>G, p.Pro762Ala (NM_001366466.2); c.1312C>G, p.Pro438Ala (NM_001366473.2); c.748C>G, p.Pro250Ala (NM_001366474.2); short protein forms P250A, P438A, P575A, P762A, P574A, P639A.
Identifiers: ClinVar variation 4053234 (VCV004053234.1).